The following is an entry in ClinVar:

ClinVar aggregate classification (germline): Uncertain significance. Review status: criteria provided, multiple submitters, no conflicts (2 of 4 stars). 2 submissions from 2 submitters: Uncertain significance (2). Last evaluated 2025-06-29.

Conditions:
Inborn genetic diseases. Identifiers: MedGen C0950123, MeSH D030342.
Primary ciliary dyskinesia 30. Also called: CILIARY DYSKINESIA, PRIMARY, 30, WITH OR WITHOUT SITUS INVERSUS. Identifiers: Orphanet 244, MedGen C4015016, MONDO:0014465, OMIM 616037.

Allele frequency attached by ClinVar (database versions not stated): gnomAD 0.00001; TOPMed 0.00001; ExAC 0.00003.
gnomAD v4.1: 16 of 1,609,226 alleles (0.00099%); highest among the groups gnomAD compares: Admixed American, 0.012%; no homozygotes.

Submissions (2):

Labcorp Genetics (formerly Invitae), Labcorp
Classification: Uncertain significance for Primary ciliary dyskinesia 30. Last evaluated: 2025-06-29. Review status: criteria provided, single submitter. Criteria: Invitae Variant Classification Sherloc (09022015). Collection method: clinical testing. Allele origin: germline.
Comment: This sequence change replaces threonine, which is neutral and polar, with methionine, which is neutral and non-polar, at codon 200 of the CCDC151 protein (p.Thr200Met). This variant is present in population databases (rs755321702, gnomAD 0.01%). This variant has not been reported in the literature in individuals affected with CCDC151-related conditions. ClinVar contains an entry for this variant (Variation ID: 2417273). An algorithm developed to predict the effect of missense changes on protein structure and function (PolyPhen-2) suggests that this variant is likely to be disruptive. In summary, the available evidence is currently insufficient to determine the role of this variant in disease. Therefore, it has been classified as a Variant of Uncertain Significance.

Ambry Genetics
Classification: Uncertain significance for Inborn genetic diseases. Last evaluated: 2021-07-09. Review status: criteria provided, single submitter. Criteria: Ambry Variant Classification Scheme 2023. Collection method: clinical testing. Allele origin: germline.

NM_145045.5(ODAD3):c.599C>T (p.Thr200Met)

Gene: ODAD3 (outer dynein arm docking complex subunit 3; minus strand). Cytogenetic location: 19p13.2.
Variant type: single nucleotide variant.
Coding change: c.599C>T on transcript NM_145045.5 (MANE Select); coding-DNA position 599, C replaced by T.
Protein change: p.Thr200Met; replaces threonine 200 with methionine.
Molecular consequence: missense variant.
Genome position (GRCh38, 1-based): chr19:11,426,886, G>A on the plus strand (C>T on the coding strand, the complement: ODAD3 is on the minus strand). VCF-style: chr19-11426886-G-A. GRCh37 (hg19) VCF-style: chr19-11537706-G-A.
Other names: c.437C>T, p.Thr146Met (NM_001302453.1); c.521C>T, p.Thr174Met (NM_001302454.2); c.599C>T (NM_145045.4); short protein forms T146M, T174M, T200M.
Identifiers: ClinVar variation 2417273 (VCV002417273.6), dbSNP rs755321702, ClinGen allele CA9212356.